The following is an entry in ClinVar:

NM_001330288.2(SMARCC2):c.2716-4C>G

Gene: SMARCC2 (SWI/SNF related BAF chromatin remodeling complex subunit C2; minus strand). Cytogenetic location: 12q13.2.
Variant type: single nucleotide variant.
Coding change: c.2716-4C>G on transcript NM_001330288.2 (MANE Select); 4 bases into the intron before coding-DNA position 2716, C replaced by G.
Molecular consequence: intron variant.
Genome position (GRCh38, 1-based): chr12:56,168,198, G>C on the plus strand (C>G on the coding strand, the complement: SMARCC2 is on the minus strand). VCF-style: chr12-56168198-G-C. GRCh37 (hg19) VCF-style: chr12-56561982-G-C.
Other names: c.2623-4C>G (NM_003075.5); c.2716-4C>G (NM_139067.4, NM_001130420.3).
Identifiers: ClinVar variation 4084427 (VCV004084427.9).

ClinVar aggregate classification (germline): Likely benign. Review status: criteria provided, multiple submitters, no conflicts (2 of 4 stars). 2 submissions from 2 submitters: Likely benign (2). Last evaluated 2025-08-01.

gnomAD v4.1: 368 of 1,613,916 alleles (0.023%); highest among the groups gnomAD compares: Non-Finnish European, 0.029%; no homozygotes.

Submissions (2):

CeGaT Center for Human Genetics Tuebingen
Classification: Likely benign. Last evaluated: 2025-08-01. Review status: criteria provided, single submitter. Criteria: CeGaT Center For Human Genetics Tuebingen Variant Classification Criteria Version 2. Collection method: clinical testing. Allele origin: germline. Affected: yes. Observed: 1 variant allele.
Comment: SMARCC2: BP4, BS2

Blueprint Genetics
Classification: Likely benign. Last evaluated: 2024-07-15. Review status: criteria provided, single submitter. Criteria: ACMG Guidelines, 2015. Collection method: clinical testing. Allele origin: germline.